The following is an entry in ClinVar:

ClinVar aggregate classification (germline): Uncertain significance (1 of 4 stars; one submission).

Conditions:
Pierson syndrome. Also called: MICROCORIA-CONGENITAL NEPHROTIC SYNDROME. Identifiers: Orphanet 2670, MedGen C1836876, MONDO:0012184, OMIM 609049.
LAMB2-related infantile-onset nephrotic syndrome. Also called: NEPHROTIC SYNDROME, TYPE 5, WITHOUT OCULAR ABNORMALITIES; NEPHROTIC SYNDROME, TYPE 5, WITH OCULAR ABNORMALITIES; Nephrotic Syndrome, type 5. Identifiers: Orphanet 306507, MedGen C3280113, MONDO:0013621, OMIM 614199.

Submission:

Labcorp Genetics (formerly Invitae), Labcorp
Classification: Uncertain significance for LAMB2-related infantile-onset nephrotic syndrome; Pierson syndrome. Last evaluated: 2023-10-04. Review status: criteria provided, single submitter. Criteria: Invitae Variant Classification Sherloc (09022015). Collection method: clinical testing. Allele origin: germline.
Comment: This sequence change replaces valine, which is neutral and non-polar, with alanine, which is neutral and non-polar, at codon 600 of the LAMB2 protein (p.Val600Ala). This variant is present in population databases (no rsID available, gnomAD 0.0009%). This variant has not been reported in the literature in individuals affected with LAMB2-related conditions. Algorithms developed to predict the effect of missense changes on protein structure and function output the following: SIFT: "Not Available"; PolyPhen-2: "Benign"; Align-GVGD: "Not Available". The alanine amino acid residue is found in multiple mammalian species, which suggests that this missense change does not adversely affect protein function. In summary, the available evidence is currently insufficient to determine the role of this variant in disease. Therefore, it has been classified as a Variant of Uncertain Significance.

NM_002292.4(LAMB2):c.1799T>C (p.Val600Ala)

Gene: LAMB2 (laminin subunit beta 2; minus strand). Cytogenetic location: 3p21.31.
Variant type: single nucleotide variant.
Coding change: c.1799T>C on transcript NM_002292.4 (MANE Select); coding-DNA position 1799, T replaced by C.
Protein change: p.Val600Ala; replaces valine 600 with alanine.
Molecular consequence: missense variant.
Genome position (GRCh38, 1-based): chr3:49,128,752, A>G on the plus strand (T>C on the coding strand, the complement: LAMB2 is on the minus strand). VCF-style: chr3-49128752-A-G. GRCh37 (hg19) VCF-style: chr3-49166185-A-G.
Other names: short protein forms V600A.
Identifiers: ClinVar variation 2930440 (VCV002930440.3), dbSNP rs1231217243, ClinGen allele CA352732792.